The following is an entry in ClinVar:

ClinVar aggregate classification (germline): Likely pathogenic (0 of 4 stars; one submission).

Conditions:
Charcot-Marie-Tooth disease axonal type 2F (CMT2F). Also called: Charcot-Marie-Tooth Neuropathy Type 2F; CHARCOT-MARIE-TOOTH DISEASE, NEURONAL, TYPE 2F. Identifiers: Orphanet 99940, MedGen C1847823, MONDO:0011687, OMIM 606595.

Submission:

Solve-RD Consortium
Classification: Likely pathogenic for Charcot-Marie-Tooth disease axonal type 2F. Last evaluated: 2022-06-01. Review status: no assertion criteria provided. Collection method: provider interpretation. Allele origin: inherited. Affected: yes.
Comment: Variant confirmed as disease-causing by referring clinical team

Variant identified during reanalysis of unsolved cases by the Solve-RD project. The Solve-RD project has received funding from the European Union’s Horizon 2020 research and innovation programme under grant agreement No 779257.

Literature cited by the submitters: PubMed 39825153.

NM_001540.5(HSPB1):c.610dup (p.Ala204fs)

Gene: HSPB1 (heat shock protein family B (small) member 1; plus strand). Cytogenetic location: 7q11.23.
Variant type: Duplication.
Coding change: c.610dup on transcript NM_001540.5 (MANE Select); coding-DNA position 610, one base duplicated (G; older notation c.610dupG).
Protein change: p.Ala204fs; shifts the reading frame from alanine 204.
Molecular consequence: frameshift variant.
Genome position (GRCh38, 1-based): chr7:76,304,165, G duplicated. VCF-style (leftmost placement, unchanged base first): chr7-76304164-C-CG. GRCh37 (hg19) VCF-style: chr7-75933481-C-CG.
Other names: short protein forms A204fs.
Identifiers: ClinVar variation 3338066 (VCV003338066.1).